The following is an entry in ClinVar:

ClinVar aggregate classification (germline): Uncertain significance (1 of 4 stars; one submission).

gnomAD v4.1: 1 of 1,614,120 alleles (0.000062%); no homozygotes.

Submission:

Labcorp Genetics (formerly Invitae), Labcorp
Classification: Uncertain significance. Last evaluated: 2024-04-08. Review status: criteria provided, single submitter. Criteria: Invitae Variant Classification Sherloc (09022015). Collection method: clinical testing. Allele origin: germline.
Comment: This sequence change replaces arginine, which is basic and polar, with tryptophan, which is neutral and slightly polar, at codon 138 of the IGF1R protein (p.Arg138Trp). This variant is not present in population databases (gnomAD no frequency). This variant has not been reported in the literature in individuals affected with IGF1R-related conditions. Advanced modeling of protein sequence and biophysical properties (such as structural, functional, and spatial information, amino acid conservation, physicochemical variation, residue mobility, and thermodynamic stability) performed at Invitae indicates that this missense variant is expected to disrupt IGF1R protein function with a positive predictive value of 80%. In summary, the available evidence is currently insufficient to determine the role of this variant in disease. Therefore, it has been classified as a Variant of Uncertain Significance.

NM_000875.5(IGF1R):c.412C>T (p.Arg138Trp)

Gene: IGF1R (insulin like growth factor 1 receptor; plus strand). Cytogenetic location: 15q26.3.
Variant type: single nucleotide variant.
Coding change: c.412C>T on transcript NM_000875.5 (MANE Select); coding-DNA position 412, C replaced by T.
Protein change: p.Arg138Trp; replaces arginine 138 with tryptophan.
Molecular consequence: missense variant.
Genome position (GRCh38, 1-based): chr15:98,707,879, C>T. VCF-style: chr15-98707879-C-T. GRCh37 (hg19) VCF-style: chr15-99251108-C-T.
Other names: c.412C>T, p.Arg138Trp (NM_001291858.2); short protein forms R138W.
Identifiers: ClinVar variation 3649227 (VCV003649227.2).